The following is an entry in ClinVar:

NM_007294.4(BRCA1):c.4357+4T>C

Gene: BRCA1 (BRCA1 DNA repair associated; minus strand). Cytogenetic location: 17q21.31.
Variant type: single nucleotide variant.
Coding change: c.4357+4T>C on transcript NM_007294.4 (MANE Select); 4 bases into the intron after coding-DNA position 4357, T replaced by C.
Molecular consequence: intron variant.
Genome position (GRCh38, 1-based): chr17:43,082,400, A>G on the plus strand (T>C on the coding strand, the complement: BRCA1 is on the minus strand). VCF-style: chr17-43082400-A-G. GRCh37 (hg19) VCF-style: chr17-41234417-A-G.
Other names: c.4093+4T>C (NM_001407922.1, NM_001407928.1, NM_001407925.1 and 7 more transcripts); c.904+4T>C (NM_001408469.1, NM_001408464.1, NM_001408467.1 and 5 more transcripts); c.907+4T>C (NM_001408453.1, NM_001408461.1, NM_001408459.1 and 8 more transcripts); c.4216+4T>C (NM_001407737.1, NM_001407728.1, NM_001407738.1 and 23 more transcripts); c.4213+4T>C (NM_001407746.1, NM_001407742.1, NM_001407842.1 and 23 more transcripts); c.4147+4T>C (NM_001407886.1, NM_001407881.1, NM_001407906.1 and 9 more transcripts); c.4228+4T>C (NM_001407686.1, NM_001407691.1, NM_001407685.1 and 2 more transcripts); c.1045+4T>C (NM_001408397.1, NM_001407980.1, NM_001408396.1 and 18 more transcripts); and 51 more.
Identifiers: ClinVar variation 433711 (VCV000433711.11), dbSNP rs1555583978, ClinGen allele CA645373144.
Genomic context (GRCh38, chr17:43,082,400, plus strand): 5'-AAGGAGATAAAGGGGAAGGAAAGAATTTTGCTTAAGATATCAGTGTTTGGCCAACAATAC[A>G]CACCTTTTTCTGATGTGCTTTGTTCTGGATTTCGCAGGTCCTCAAGGGCAGAAGAGTCAC-3'

ClinVar aggregate classification (germline): Conflicting classifications of pathogenicity. Review status: criteria provided, conflicting classifications (1 of 4 stars). 5 submissions from 5 submitters: Uncertain significance (2); Likely benign (2). 1 of the submissions does not count toward it. Last evaluated 2025-09-09.

Conditions:
Hereditary cancer-predisposing syndrome. Also called: Hereditary Cancer Syndrome; Hereditary neoplastic syndrome; Neoplastic Syndromes, Hereditary; Tumor predisposition. Identifiers: Orphanet 140162, MedGen C0027672, MeSH D009386, MONDO:0015356.
Hereditary breast ovarian cancer syndrome. Also called: Hereditary breast and ovarian cancer syndrome (HBOC); Breast and ovarian cancer; BRCA1- and BRCA2-Associated Hereditary Breast and Ovarian Cancer; Hereditary breast and/or ovarian cancer syndrome; Hereditary breast and ovarian cancer; Hereditary breast and ovarian cancer syndrome. Identifiers: Orphanet 145, MedGen C0677776, MeSH D061325, MONDO:0003582. Disease mechanism: loss of function.
Malignant tumor of breast. Also called: Malignant breast neoplasm; Cancer breast. Identifiers: MedGen C0006142, MONDO:0007254. Disease mechanism: loss of function.
Familial cancer of breast. Also called: hereditary breast carcinoma; Hereditary breast cancer; BREAST CANCER, FAMILIAL. Identifiers: Orphanet 227535, MedGen C0346153, MONDO:0016419, OMIM 114480. Disease mechanism: loss of function.

Allele frequency attached by ClinVar (database versions not stated): gnomAD exomes below 0.00001.
gnomAD v4.1: 1 of 1,613,362 alleles (0.000062%); highest among the groups gnomAD compares: South Asian, 0.0011%; no homozygotes.

Submissions (5):

Color Diagnostics, LLC DBA Color Health
Classification: Likely benign for Hereditary cancer-predisposing syndrome. Last evaluated: 2025-09-09. Review status: criteria provided, single submitter. Criteria: ACMG Guidelines, 2015. Collection method: clinical testing. Allele origin: germline.

KCCC/NGS Laboratory, Kuwait Cancer Control Center
Classification: Uncertain significance for Familial cancer of breast. Last evaluated: 2025-07-08. Review status: criteria provided, single submitter. Criteria: ACMG Guidelines, 2015. Collection method: clinical testing. Allele origin: germline. Inheritance: Autosomal dominant inheritance. Affected: yes. Observed: 1 heterozygote.
Comment: This sequence change falls in intron 12 of the BRCA1 gene. It does not directly change the encoded amino acid sequence of the BRCA1 protein. It affects a nucleotide within the consensus splice site. This variant is not present in population databases (gnomAD no frequency). This variant has not been reported in the literature in individuals affected with BRCA1-related conditions. ClinVar contains an entry for this variant (Variation ID: 433711). Variants that disrupt the consensus splice site are a relatively common cause of aberrant splicing (PMID: 17576681, 9536098). Algorithms developed to predict the effect of sequence changes on RNA splicing suggest that this variant is not likely to affect RNA splicing. In summary, the available evidence is currently insufficient to determine the role of this variant in disease. Therefore, it has been classified as a Variant of Uncertain Significance.

Labcorp Genetics (formerly Invitae), Labcorp
Classification: Uncertain significance for Hereditary breast ovarian cancer syndrome. Last evaluated: 2023-10-08. Review status: criteria provided, single submitter. Criteria: Invitae Variant Classification Sherloc (09022015). Collection method: clinical testing. Allele origin: germline.
Comment: the same text as in the submission from KCCC/NGS Laboratory, Kuwait Cancer Control Center above.

Ambry Genetics
Classification: Likely benign for Hereditary cancer-predisposing syndrome. Last evaluated: 2019-02-08. Review status: criteria provided, single submitter. Criteria: Ambry Variant Classification Scheme 2023. Collection method: clinical testing. Allele origin: germline.

Department of Pathology and Laboratory Medicine, Sinai Health System
Classification: Uncertain significance for Malignant tumor of breast. Review status: no assertion criteria provided. Collection method: clinical testing. Allele origin: unknown. Affected: yes. Study: The Canadian Open Genetics Repository (COGR). Not counted in ClinVar's aggregate classification.
Comment: The BRCA1 c.4357+4T>C variant was not identified in the literature, nor was it identified in the dbSNP, NHLBI Exome Sequencing Project, HGMD, LOVD, COSMIC, UMD or BIC databases. The variant is located in the 5' splice region but does not affect the invariant +1 and +2 positions. However, positions +3 to +6 are part of the splicing consensus sequence and variants involving these positions sometimes affect splicing. Three in silico or computational prediction software programs (SpliceSiteFinder, MaxEntScan, NNSPLICE) do not predict a difference in splicing; however, this information is not predictive enough to rule out pathogenicity. In summary, based on the above information, the clinical significance of this variant cannot be determined with certainty at this time. This variant is classified as a variant of unknown significance.

Literature cited by the submitters: PubMed 17576681 (cited by Labcorp Genetics (formerly Invitae), Labcorp); PubMed 9536098 (cited by Labcorp Genetics (formerly Invitae), Labcorp).